The following is an entry in ClinVar:

ClinVar aggregate classification (germline): Uncertain significance. Review status: criteria provided, multiple submitters, no conflicts (2 of 4 stars). 2 submissions from 2 submitters: Uncertain significance (2). Last evaluated 2023-03-10.

Conditions:
Pierson syndrome. Also called: MICROCORIA-CONGENITAL NEPHROTIC SYNDROME. Identifiers: Orphanet 2670, MedGen C1836876, MONDO:0012184, OMIM 609049.
LAMB2-related infantile-onset nephrotic syndrome. Also called: NEPHROTIC SYNDROME, TYPE 5, WITHOUT OCULAR ABNORMALITIES; NEPHROTIC SYNDROME, TYPE 5, WITH OCULAR ABNORMALITIES; Nephrotic Syndrome, type 5. Identifiers: Orphanet 306507, MedGen C3280113, MONDO:0013621, OMIM 614199.
Inborn genetic diseases. Identifiers: MedGen C0950123, MeSH D030342.

Allele frequency attached by ClinVar (database versions not stated): TOPMed 0.00002.
gnomAD v4.1: 38 of 1,613,860 alleles (0.0024%); highest among the groups gnomAD compares: Middle Eastern, 0.016%; no homozygotes.

Submissions (2):

Labcorp Genetics (formerly Invitae), Labcorp
Classification: Uncertain significance for LAMB2-related infantile-onset nephrotic syndrome; Pierson syndrome. Last evaluated: 2023-03-10. Review status: criteria provided, single submitter. Criteria: Invitae Variant Classification Sherloc (09022015). Collection method: clinical testing. Allele origin: germline.
Comment: In summary, the available evidence is currently insufficient to determine the role of this variant in disease. Therefore, it has been classified as a Variant of Uncertain Significance. Algorithms developed to predict the effect of missense changes on protein structure and function output the following: SIFT: "Not Available"; PolyPhen-2: "Benign"; Align-GVGD: "Not Available". The alanine amino acid residue is found in multiple mammalian species, which suggests that this missense change does not adversely affect protein function. ClinVar contains an entry for this variant (Variation ID: 1001115). This variant has not been reported in the literature in individuals affected with LAMB2-related conditions. This variant is present in population databases (rs781530275, gnomAD 0.009%). This sequence change replaces glycine, which is neutral and non-polar, with alanine, which is neutral and non-polar, at codon 901 of the LAMB2 protein (p.Gly901Ala).

Ambry Genetics
Classification: Uncertain significance for Inborn genetic diseases. Last evaluated: 2023-03-03. Review status: criteria provided, single submitter. Criteria: Ambry Variant Classification Scheme 2023. Collection method: clinical testing. Allele origin: germline.

NM_002292.4(LAMB2):c.2702G>C (p.Gly901Ala)

Gene: LAMB2 (laminin subunit beta 2; minus strand). Cytogenetic location: 3p21.31.
Variant type: single nucleotide variant.
Coding change: c.2702G>C on transcript NM_002292.4 (MANE Select); coding-DNA position 2702, G replaced by C.
Protein change: p.Gly901Ala; replaces glycine 901 with alanine.
Molecular consequence: missense variant.
Genome position (GRCh38, 1-based): chr3:49,125,271, C>G on the plus strand (G>C on the coding strand, the complement: LAMB2 is on the minus strand). VCF-style: chr3-49125271-C-G. GRCh37 (hg19) VCF-style: chr3-49162704-C-G.
Other names: c.2702G>C (NM_002292.3); short protein forms G901A.
Identifiers: ClinVar variation 1001115 (VCV001001115.5), dbSNP rs781530275, ClinGen allele CA2394245.